The following is an entry in ClinVar:

ClinVar aggregate classification (germline): Uncertain significance (1 of 4 stars; one submission).

Conditions:
Cardiovascular phenotype. Identifiers: MedGen CN230736.

Allele frequency attached by ClinVar (database versions not stated): ESP Exome Variant Server 0.00008.
gnomAD v4.1: 5 of 1,614,020 alleles (0.00031%); highest among the groups gnomAD compares: Non-Finnish European, 0.00042%; no homozygotes.

Submission:

Ambry Genetics
Classification: Uncertain significance for Cardiovascular phenotype. Last evaluated: 2021-12-29. Review status: criteria provided, single submitter. Criteria: Ambry Variant Classification Scheme 2023. Collection method: clinical testing. Allele origin: germline.
Comment: The p.R438L variant (also known as c.1313G>T), located in coding exon 9 of the FKTN gene, results from a G to T substitution at nucleotide position 1313. The arginine at codon 438 is replaced by leucine, an amino acid with dissimilar properties. This amino acid position is conserved. In addition, this alteration is predicted to be tolerated by in silico analysis. Since supporting evidence is limited at this time, the clinical significance of this alteration remains unclear.

NM_001079802.2(FKTN):c.1313G>T (p.Arg438Leu)

Gene: FKTN (fukutin; plus strand). Cytogenetic location: 9q31.2.
Variant type: single nucleotide variant.
Coding change: c.1313G>T on transcript NM_001079802.2 (MANE Select); coding-DNA position 1313, G replaced by T.
Protein change: p.Arg438Leu; replaces arginine 438 with leucine.
Molecular consequence: missense variant. On other transcripts: 3 prime UTR variant (1), non-coding transcript variant (2), intron variant (1).
Genome position (GRCh38, 1-based): chr9:105,635,191, G>T. VCF-style: chr9-105635191-G-T. GRCh37 (hg19) VCF-style: chr9-108397472-G-T.
Other names: c.1313G>T, p.Arg438Leu (NM_001351496.2, NM_006731.2); c.1244G>T, p.Arg415Leu (NM_001351497.2); c.*105G>T (NM_001351498.2); c.917G>T, p.Arg306Leu (NM_001351499.2, NM_001351500.2, NM_001351501.2 and 1 more transcripts); c.1270+43G>T (NM_001198963.2); short protein forms R438L, R306L, R415L.
Identifiers: ClinVar variation 1769724 (VCV001769724.2), dbSNP rs139291792, ClinGen allele CA5170610.
Genomic context (GRCh38, chr9:105,635,191, plus strand): 5'-ACATTGAAGCCAACTATGGTAAGACCTGGAAGATTCCTGTAAAGACGTGGGACTGGAAGC[G>T]CTCTCCTCCCAATGTGCAACCCAATGGAATCTGGCCTATTTCTGAGTGGGATGAGGTTAT-3'
Protein context (NP_001073270.1, residues 428-448): KIPVKTWDWK[Arg438Leu]SPPNVQPNGI